The following is an entry in ClinVar:

NM_018896.5(CACNA1G):c.6714dup (p.Ser2239fs)

Gene: CACNA1G (calcium voltage-gated channel subunit alpha1 G; plus strand). Cytogenetic location: 17q21.33.
Variant type: Duplication.
Coding change: c.6714dup on transcript NM_018896.5 (MANE Select); coding-DNA position 6714, one base duplicated (A; older notation c.6714dupA).
Protein change: p.Ser2239fs; shifts the reading frame from serine 2239.
Molecular consequence: frameshift variant. On other transcripts: non-coding transcript variant (5).
Genome position (GRCh38, 1-based): chr17:50,626,331, A duplicated. VCF-style (leftmost placement, unchanged base first): chr17-50626330-C-CA. GRCh37 (hg19) VCF-style: chr17-48703691-C-CA.
Other names: c.6525dup, p.Ser2176fs (NM_001256324.2); c.6456dup, p.Ser2153fs (NM_001256325.2); c.6444dup, p.Ser2149fs (NM_001256326.2); c.6414dup, p.Ser2139fs (NM_001256327.2); c.6360dup, p.Ser2121fs (NM_001256328.2); c.6333dup, p.Ser2112fs (NM_001256329.2, NM_198387.3); c.6300dup, p.Ser2101fs (NM_001256330.2); c.6279dup, p.Ser2094fs (NM_001256331.2); and 18 more; short protein forms S2033fs, S2056fs, S2067fs, S2089fs, S2094fs, S2101fs, S2105fs, S2108fs.
Identifiers: ClinVar variation 1710884 (VCV001710884.2), dbSNP rs2545919118, ClinGen allele CA2580094218.

ClinVar aggregate classification (germline): Uncertain significance (1 of 4 stars; one submission).

Submission:

GeneDx
Classification: Uncertain significance. Last evaluated: 2022-04-11. Review status: criteria provided, single submitter. Criteria: GeneDx Variant Classification Process June 2021. Collection method: clinical testing. Allele origin: germline. Affected: yes.
Comment: Not observed at significant frequency in large population cohorts (gnomAD); Frameshift variant predicted to result in protein truncation in a gene or region of a gene for which loss of function is not a well-established mechanism of disease; Has not been previously published as pathogenic or benign to our knowledge.